The following is an entry in ClinVar:

NM_033100.4(CDHR1):c.63C>A (p.Ala21=)

Gene: CDHR1 (cadherin related family member 1; plus strand). Cytogenetic location: 10q23.1.
Variant type: single nucleotide variant.
Coding change: c.63C>A on transcript NM_033100.4 (MANE Select); coding-DNA position 63, C replaced by A.
Protein change: p.Ala21=; no amino-acid change (alanine 21 retained).
Molecular consequence: synonymous variant.
Genome position (GRCh38, 1-based): chr10:84,195,501, C>A. VCF-style: chr10-84195501-C-A. GRCh37 (hg19) VCF-style: chr10-85955257-C-A.
Other names: c.63C>A, p.Ala21= (NM_001171971.3); c.63C>A (NM_033100.3).
Identifiers: ClinVar variation 1648118 (VCV001648118.9), dbSNP rs755305775, ClinGen allele CA5579394.
Genomic context (GRCh38, chr10:84,195,501, plus strand): 5'-GTGTCTGGGTGTCCTTTGCCTGGGTGTCCGTCTGTTCTGTGTTCTTTTTCCAGCTCAGGC[C>A]AACTTCGCCCCGCACTTCTTCGACAACGGGGTCGGCAGCACCAACGGAAACATGGCTCTG-3'
Protein context (NP_149091.1, residues 11-31): LGLLRLCLAQ[Ala21=]NFAPHFFDNG

ClinVar aggregate classification (germline): Likely benign. Review status: criteria provided, multiple submitters, no conflicts (2 of 4 stars). 2 submissions from 2 submitters: Likely benign (2). Last evaluated 2026-03-07.

Conditions:
CDHR1-related disorder. Also called: CDHR1-related condition.

Allele frequency attached by ClinVar (database versions not stated): ExAC 0.00001; gnomAD exomes 0.00001 and 0.00002; TOPMed 0.00001.
gnomAD v4.1: 6 of 1,613,974 alleles (0.00037%); highest among the groups gnomAD compares: Admixed American, 0.01%; no homozygotes.

Submissions (2):

PreventionGenetics, part of Exact Sciences
Classification: Likely benign for CDHR1-related condition. Last evaluated: 2026-03-07. Review status: criteria provided, single submitter. Criteria: ACMG Guidelines, 2015. Collection method: clinical testing. Allele origin: germline.
Comment: This variant is classified as likely benign based on ACMG/AMP sequence variant interpretation guidelines (Richards et al. 2015 PMID: 25741868, with internal and published modifications).

Labcorp Genetics (formerly Invitae), Labcorp
Classification: Likely benign. Last evaluated: 2025-01-29. Review status: criteria provided, single submitter. Criteria: Invitae Variant Classification Sherloc (09022015). Collection method: clinical testing. Allele origin: germline.